The following is an entry in ClinVar:

ClinVar aggregate classification (germline): Benign (0 of 4 stars; one submission).

Conditions:
MAFB-related disorder. Also called: MAFB-related condition.

Allele frequency attached by ClinVar (database versions not stated): gnomAD exomes 0.00023; ExAC 0.00059; gnomAD 0.00236; ESP Exome Variant Server 0.00244; TOPMed 0.00255; 1000 Genomes Project 0.00319; 1000 Genomes Project 30x 0.00375.

Submission:

PreventionGenetics, part of Exact Sciences
Classification: Benign for MAFB-related condition. Last evaluated: 2020-11-16. Review status: no assertion criteria provided. Collection method: clinical testing. Allele origin: germline.
Comment: This variant is classified as benign based on ACMG/AMP sequence variant interpretation guidelines (Richards et al. 2015 PMID: 25741868, with internal and published modifications).

NM_005461.5(MAFB):c.-1G>T

Gene: MAFB (MAF bZIP transcription factor B; minus strand). Cytogenetic location: 20q12.
Variant type: single nucleotide variant.
Coding change: c.-1G>T on transcript NM_005461.5 (MANE Select); 1 bases upstream of the start codon, G replaced by T.
Molecular consequence: 5 prime UTR variant.
Genome position (GRCh38, 1-based): chr20:40,688,851, C>A on the plus strand (G>T on the coding strand, the complement: MAFB is on the minus strand). VCF-style: chr20-40688851-C-A. GRCh37 (hg19) VCF-style: chr20-39317491-C-A.
Identifiers: ClinVar variation 3040146 (VCV003040146.2), dbSNP rs369936070, ClinGen allele CA9857857.